The following is an entry in ClinVar:

ClinVar aggregate classification (germline): Uncertain significance. Review status: criteria provided, multiple submitters, no conflicts (2 of 4 stars). 7 submissions from 7 submitters: Uncertain significance (7). Last evaluated 2025-06-12.

Conditions:
Usher syndrome type 3B. Also called: USHER SYNDROME, TYPE IIIB. Identifiers: MedGen C3281066, MONDO:0013788, OMIM 614504.

Allele frequency attached by ClinVar (database versions not stated): gnomAD exomes 0.00002 and 0.00003; ExAC 0.00003; gnomAD 0.00003; TOPMed 0.00003; ESP Exome Variant Server 0.00008.

Submissions (7):

GeneDx
Classification: Uncertain significance. Last evaluated: 2025-06-12. Review status: criteria provided, single submitter. Criteria: GeneDx Variant Classification Process June 2021. Collection method: clinical testing. Allele origin: germline. Affected: yes.
Comment: In silico analysis supports that this missense variant has a deleterious effect on protein structure/function; Has not been previously published as pathogenic or benign to our knowledge

Labcorp Genetics (formerly Invitae), Labcorp
Classification: Uncertain significance for Usher syndrome type 3B. Last evaluated: 2025-05-12. Review status: criteria provided, single submitter. Criteria: Invitae Variant Classification Sherloc (09022015). Collection method: clinical testing. Allele origin: germline.
Comment: This sequence change replaces threonine, which is neutral and polar, with asparagine, which is neutral and polar, at codon 406 of the HARS protein (p.Thr406Asn). This variant is present in population databases (rs369070016, gnomAD 0.004%). This variant has not been reported in the literature in individuals affected with HARS-related conditions. ClinVar contains an entry for this variant (Variation ID: 540205). Invitae Evidence Modeling of protein sequence and biophysical properties (such as structural, functional, and spatial information, amino acid conservation, physicochemical variation, residue mobility, and thermodynamic stability) indicates that this missense variant is not expected to disrupt HARS protein function with a negative predictive value of 80%. In summary, the available evidence is currently insufficient to determine the role of this variant in disease. Therefore, it has been classified as a Variant of Uncertain Significance.

Ambry Genetics
Classification: Uncertain significance. Last evaluated: 2025-01-10. Review status: criteria provided, single submitter. Criteria: Ambry Variant Classification Scheme 2023. Collection method: clinical testing. Allele origin: germline.

Blueprint Genetics
Classification: Uncertain significance. Last evaluated: 2023-12-19. Review status: criteria provided, single submitter. Criteria: ACMG Guidelines, 2015. Collection method: clinical testing. Allele origin: germline.

Revvity Omics, Revvity
Classification: Uncertain significance. Last evaluated: 2023-05-19. Review status: criteria provided, single submitter. Criteria: ACMG Guidelines, 2015. Collection method: clinical testing. Allele origin: germline.

Mayo Clinic Laboratories, Mayo Clinic
Classification: Uncertain significance. Last evaluated: 2021-11-30. Review status: criteria provided, single submitter. Criteria: ACMG Guidelines, 2015. Collection method: clinical testing. Allele origin: germline.

ARUP Laboratories, Molecular Genetics and Genomics, ARUP Laboratories
Classification: Uncertain significance. Last evaluated: 2020-11-10. Review status: criteria provided, single submitter. Criteria: ARUP Molecular Germline Variant Investigation Process 2021. Collection method: clinical testing. Allele origin: germline.
Comment: The HARS1 (AKA: HARS) c.1217C>A; p.Thr406Asn variant (rs369070016), to our knowledge, has not been reported in the medical literature; however, this variant is listed in the ClinVar database (Variation ID: 540205). This variant is found in the general population with an overall allele frequency of 0.0004% (1/275,000 alleles) in the Genome Aggregation Database. The threonine at codon 406 is highly conserved, but computational analyses are uncertain whether this variant is neutral or deleterious (REVEL: 0.248). Based on the available information, the clinical significance of this variant is uncertain.

NM_002109.6(HARS1):c.1217C>A (p.Thr406Asn)

Gene: HARS1 (histidyl-tRNA synthetase 1; minus strand). Cytogenetic location: 5q31.3.
Variant type: single nucleotide variant.
Coding change: c.1217C>A on transcript NM_002109.6 (MANE Select); coding-DNA position 1217, C replaced by A.
Protein change: p.Thr406Asn; replaces threonine 406 with asparagine.
Molecular consequence: missense variant.
Genome position (GRCh38, 1-based): chr5:140,675,111, G>T on the plus strand (C>A on the coding strand, the complement: HARS1 is on the minus strand). VCF-style: chr5-140675111-G-T. GRCh37 (hg19) VCF-style: chr5-140054696-G-T.
Other names: c.1097C>A, p.Thr366Asn (NM_001258040.3); c.1157C>A, p.Thr386Asn (NM_001258041.3); c.1037C>A, p.Thr346Asn (NM_001258042.3); c.995C>A, p.Thr332Asn (NM_001289092.2); c.875C>A, p.Thr292Asn (NM_001289093.2); c.1130C>A, p.Thr377Asn (NM_001289094.2); short protein forms T406N, T332N, T386N, T366N, T377N, T346N, T292N.
Identifiers: ClinVar variation 540205 (VCV000540205.27), dbSNP rs369070016, ClinGen allele CA3443875.
Genomic context (GRCh38, chr5:140,675,111, plus strand): 5'-TTTAGTCTTTCCTCTAGCAGCTTCTTCTGTGCAGATGCCACAAGCACCTGTGTCTCCGTG[G>T]TCCGTATCTTCTCCTCCAAAGCCTGGGGAAGGGGCAGATAAAAGAGAGCTGGGCTAACAC-3'
Protein context (NP_002100.2, residues 396-416): RLEALEEKIR[Thr406Asn]TETQVLVASA